The following is an entry in ClinVar:

ClinVar aggregate classification (germline): Uncertain significance (1 of 4 stars; one submission).

Conditions:
Familial adenomatous polyposis 1 (FAP1). Also called: FAMILIAL ADENOMATOUS POLYPOSIS 1, ATTENUATED; POLYPOSIS, ADENOMATOUS INTESTINAL. Identifiers: MedGen C2713442, MONDO:0021056, OMIM 175100. Disease mechanism: loss of function.

Submission:

Labcorp Genetics (formerly Invitae), Labcorp
Classification: Uncertain significance for Familial adenomatous polyposis 1. Last evaluated: 2021-07-18. Review status: criteria provided, single submitter. Criteria: Invitae Variant Classification Sherloc (09022015). Collection method: clinical testing. Allele origin: germline.
Comment: In summary, the available evidence is currently insufficient to determine the role of this variant in disease. Therefore, it has been classified as a Variant of Uncertain Significance. Experimental studies and prediction algorithms are not available or were not evaluated, and the functional significance of this variant is currently unknown. This variant has not been reported in the literature in individuals with APC-related conditions. The frequency data for this variant in the population databases is considered unreliable, as metrics indicate insufficient coverage at this position in the ExAC database. This variant occurs in a non-coding region of the APC gene. It does not change the encoded amino acid sequence of the APC protein.

NC_000005.10:g.112707370C>G

Gene: APC (APC regulator of Wnt signaling pathway; plus strand). Cytogenetic location: 5q22.2.
Variant type: single nucleotide variant.
Genome position: GRCh38 VCF-style: chr5-112707370-C-G. GRCh37 (hg19) VCF-style: chr5-112043067-C-G.
Identifiers: ClinVar variation 1375893 (VCV001375893.6), dbSNP rs1273083857, ClinGen allele CA2573138743.